The following is an entry in ClinVar:

NM_005765.3(ATP6AP2):c.539A>G (p.Asp180Gly)

Gene: ATP6AP2 (ATPase H+ transporting accessory protein 2; plus strand). Cytogenetic location: Xp11.4.
Variant type: single nucleotide variant.
Coding change: c.539A>G on transcript NM_005765.3 (MANE Select); coding-DNA position 539, A replaced by G.
Protein change: p.Asp180Gly; replaces aspartic acid 180 with glycine.
Molecular consequence: missense variant.
Genome position (GRCh38, 1-based): chrX:40,598,685, A>G. VCF-style: chrX-40598685-A-G. GRCh37 (hg19) VCF-style: chrX-40457937-A-G.
Other names: c.539A>G (NM_005765.2); short protein forms D180G.
Identifiers: ClinVar variation 1346475 (VCV001346475.7), dbSNP rs748977074, ClinGen allele CA10387239.

ClinVar aggregate classification (germline): Conflicting classifications of pathogenicity. Review status: criteria provided, conflicting classifications (1 of 4 stars). 2 submissions from 2 submitters: Uncertain significance (1); Likely benign (1). Last evaluated 2025-03-11.

Conditions:
Inborn genetic diseases. Identifiers: MedGen C0950123, MeSH D030342.
Intellectual developmental disorder, X-linked, syndromic, Hedera type. Also called: Syndromic X-linked intellectual disability Hedera type. Identifiers: Orphanet 93952, MedGen C1845543, MONDO:0010319, OMIM 300423.

Allele frequency attached by ClinVar (database versions not stated): TOPMed 0.00005; gnomAD 0.00008 and 0.00011; ExAC 0.00005; gnomAD exomes below 0.00001 and 0.00002.
gnomAD v4.1: 13 of 1,208,195 alleles (0.0011%); highest among the groups gnomAD compares: African/African-American, 0.023%; no homozygotes.

Submissions (2):

Labcorp Genetics (formerly Invitae), Labcorp
Classification: Uncertain significance for Intellectual developmental disorder, X-linked, syndromic, Hedera type. Last evaluated: 2025-03-11. Review status: criteria provided, single submitter. Criteria: Invitae Variant Classification Sherloc (09022015). Collection method: clinical testing. Allele origin: germline.
Comment: This sequence change replaces aspartic acid, which is acidic and polar, with glycine, which is neutral and non-polar, at codon 180 of the ATP6AP2 protein (p.Asp180Gly). The frequency data for this variant in the population databases is considered unreliable, as metrics indicate poor data quality at this position in the gnomAD database. This variant has not been reported in the literature in individuals affected with ATP6AP2-related conditions. ClinVar contains an entry for this variant (Variation ID: 1346475). Invitae Evidence Modeling of protein sequence and biophysical properties (such as structural, functional, and spatial information, amino acid conservation, physicochemical variation, residue mobility, and thermodynamic stability) has been performed for this missense variant. However, the output from this modeling did not meet the statistical confidence thresholds required to predict the impact of this variant on ATP6AP2 protein function. In summary, the available evidence is currently insufficient to determine the role of this variant in disease. Therefore, it has been classified as a Variant of Uncertain Significance.

Ambry Genetics
Classification: Likely benign for Inborn genetic diseases. Last evaluated: 2024-04-08. Review status: criteria provided, single submitter. Criteria: Ambry Variant Classification Scheme 2023. Collection method: clinical testing. Allele origin: germline.